The following is an entry in ClinVar:

NM_020070.4(IGLL1):c.234T>G (p.Thr78=)

Gene: IGLL1 (immunoglobulin lambda like polypeptide 1; minus strand). Cytogenetic location: 22q11.23.
Variant type: single nucleotide variant.
Coding change: c.234T>G on transcript NM_020070.4 (MANE Select); coding-DNA position 234, T replaced by G.
Protein change: p.Thr78=; no amino-acid change (threonine 78 retained).
Molecular consequence: synonymous variant. On other transcripts: intron variant (1).
Genome position (GRCh38, 1-based): chr22:23,575,055, A>C on the plus strand (T>G on the coding strand, the complement: IGLL1 is on the minus strand). VCF-style: chr22-23575055-A-C. GRCh37 (hg19) VCF-style: chr22-23917242-A-C.
Other names: c.237T>G, p.Thr79= (NM_001369906.1); c.207-1470T>G (NM_152855.3).
Identifiers: ClinVar variation 1147567 (VCV001147567.23), dbSNP rs148009596, ClinGen allele CA10143372.

ClinVar aggregate classification (germline): Likely benign. Review status: criteria provided, multiple submitters, no conflicts (2 of 4 stars). 3 submissions from 3 submitters: Likely benign (3). Last evaluated 2025-12-24.

Conditions:
Agammaglobulinemia 2, autosomal recessive (AGM2). Also called: AGAMMAGLOBULINEMIA, AUTOSOMAL RECESSIVE, DUE TO IGLL1 DEFECT. Identifiers: MedGen C3150750, MONDO:0013287, OMIM 613500.

Allele frequency attached by ClinVar (database versions not stated): gnomAD 0.00005 and 0.00007; TOPMed 0.00007; ExAC 0.00008; ESP Exome Variant Server 0.00008; gnomAD exomes 0.00009.
gnomAD v4.1: 304 of 1,613,912 alleles (0.019%); highest among the groups gnomAD compares: Non-Finnish European, 0.025%; 1 homozygote.

Submissions (3):

Labcorp Genetics (formerly Invitae), Labcorp
Classification: Likely benign for Agammaglobulinemia 2, autosomal recessive. Last evaluated: 2025-12-24. Review status: criteria provided, single submitter. Criteria: Invitae Variant Classification Sherloc (09022015). Collection method: clinical testing. Allele origin: germline.

CeGaT Center for Human Genetics Tuebingen
Classification: Likely benign. Last evaluated: 2025-02-01. Review status: criteria provided, single submitter. Criteria: CeGaT Center For Human Genetics Tuebingen Variant Classification Criteria Version 2. Collection method: clinical testing. Allele origin: germline. Affected: yes. Observed: 1 variant allele.
Comment: IGLL1: BP4, BP7

Blueprint Genetics
Classification: Likely benign. Last evaluated: 2024-09-24. Review status: criteria provided, single submitter. Criteria: ACMG Guidelines, 2015. Collection method: clinical testing. Allele origin: germline.